The following is an entry in ClinVar:

ClinVar aggregate classification (germline): Pathogenic/Likely pathogenic. Review status: criteria provided, multiple submitters, no conflicts (2 of 4 stars). 2 submissions from 2 submitters: Pathogenic (1); Likely pathogenic (1). Last evaluated 2025-02-10.

Conditions:
Primary ciliary dyskinesia. Also called: Ciliary dyskinesia. Identifiers: Orphanet 244, MedGen C0008780, MONDO:0016575, HP:0012265.
Primary ciliary dyskinesia 7. Also called: CILIARY DYSKINESIA, PRIMARY, 7, WITH OR WITHOUT SITUS INVERSUS. Identifiers: Orphanet 244, MedGen C2678473, MONDO:0012748, OMIM 611884.

Allele frequency attached by ClinVar (database versions not stated): gnomAD exomes below 0.00001; ExAC 0.00001.

Submissions (2):

Broad Center for Mendelian Genomics, Broad Institute of MIT and Harvard
Classification: Likely pathogenic for Primary ciliary dyskinesia 7. Last evaluated: 2025-02-10. Review status: criteria provided, single submitter. Criteria: ACMG Guidelines, 2015. Collection method: curation. Allele origin: germline. Inheritance: Autosomal recessive inheritance.
Comment: The p.Arg265ProfsTer5 variant in DNAH11 has been reported in 1 individual with primary ciliary dyskinesia (PMID: 29363216), and has been identified in 0.0002% (2/1178270) of European (non-Finnish) chromosomes by the Genome Aggregation Database (gnomAD; dbSNP rs769397639). Although this variant has been seen in the general population in a heterozygous state, its frequency is low enough to be consistent with a recessive carrier frequency. This variant is predicted to cause a frameshift, which alters the protein's amino acid sequence beginning at position 265 and leads to a premature termination codon 5 amino acids downstream. This alteration is then predicted to lead to a truncated or absent protein. Loss of function of the DNAH11 gene is an established disease mechanism in autosomal recessive primary ciliary dyskinesia. In summary, although additional studies are required to fully establish its clinical significance, this variant is likely pathogenic for autosomal recessive primary ciliary dyskinesia. ACMG/AMP Criteria applied: PVS1, PM2_supporting (Richards 2015).

Labcorp Genetics (formerly Invitae), Labcorp
Classification: Pathogenic for Primary ciliary dyskinesia. Last evaluated: 2024-02-22. Review status: criteria provided, single submitter. Criteria: Invitae Variant Classification Sherloc (09022015). Collection method: clinical testing. Allele origin: germline.
Comment: This sequence change creates a premature translational stop signal (p.Arg265Profs*5) in the DNAH11 gene. It is expected to result in an absent or disrupted protein product. Loss-of-function variants in DNAH11 are known to be pathogenic (PMID: 18022865, 20513915, 22184204). This variant is present in population databases (rs770628646, gnomAD 0.0009%). This premature translational stop signal has been observed in individual(s) with clinical features of primary ciliary dyskinesia (PMID: 29363216). For these reasons, this variant has been classified as Pathogenic.

Literature cited by the submitters: PubMed 18022865 (cited by Labcorp Genetics (formerly Invitae), Labcorp); PubMed 20513915 (cited by Labcorp Genetics (formerly Invitae), Labcorp); PubMed 22184204 (cited by Labcorp Genetics (formerly Invitae), Labcorp); PubMed 29363216 (cited by Labcorp Genetics (formerly Invitae), Labcorp).

NM_001277115.2(DNAH11):c.793_794insCAGCT (p.Arg265fs)

Gene: DNAH11 (dynein axonemal heavy chain 11; plus strand). Cytogenetic location: 7p15.3.
Variant type: Insertion.
Coding change: c.793_794insCAGCT on transcript NM_001277115.2 (MANE Select); coding-DNA positions 793 to 794, CAGCT inserted.
Protein change: p.Arg265fs; shifts the reading frame from arginine 265.
Molecular consequence: frameshift variant.
Genome position: GRCh38 VCF-style: chr7-21559703-C-CCAGCT. GRCh37 (hg19) VCF-style: chr7-21599321-C-CCAGCT.
Other names: NM_001277115.2:c.793_794insCAGCT; c.793_794insCAGCT, p.Arg265Profs (NM_003777.3); short protein forms R265fs.
Identifiers: ClinVar variation 3008700 (VCV003008700.4), dbSNP rs770628646, ClinGen allele CA4178781.